The following is an entry in ClinVar:

NM_000821.7(GGCX):c.1439+6C>T

Gene: GGCX (gamma-glutamyl carboxylase; minus strand). Cytogenetic location: 2p11.2.
Variant type: single nucleotide variant.
Coding change: c.1439+6C>T on transcript NM_000821.7 (MANE Select); 6 bases into the intron after coding-DNA position 1439, C replaced by T.
Molecular consequence: intron variant.
Genome position (GRCh38, 1-based): chr2:85,552,410, G>A on the plus strand (C>T on the coding strand, the complement: GGCX is on the minus strand). VCF-style: chr2-85552410-G-A. GRCh37 (hg19) VCF-style: chr2-85779533-G-A.
Other names: c.1268+6C>T (NM_001142269.4).
Identifiers: ClinVar variation 2092114 (VCV002092114.4), dbSNP rs2529675153, ClinGen allele CA2580068268.

ClinVar aggregate classification (germline): Uncertain significance (1 of 4 stars; one submission).

Submission:

Labcorp Genetics (formerly Invitae), Labcorp
Classification: Uncertain significance. Last evaluated: 2022-04-03. Review status: criteria provided, single submitter. Criteria: Invitae Variant Classification Sherloc (09022015). Collection method: clinical testing. Allele origin: germline.
Comment: This variant is not present in population databases (gnomAD no frequency). This sequence change falls in intron 10 of the GGCX gene. It does not directly change the encoded amino acid sequence of the GGCX protein. It affects a nucleotide within the consensus splice site. This variant has not been reported in the literature in individuals affected with GGCX-related conditions. In summary, the available evidence is currently insufficient to determine the role of this variant in disease. Therefore, it has been classified as a Variant of Uncertain Significance. Variants that disrupt the consensus splice site are a relatively common cause of aberrant splicing (PMID: 17576681, 9536098). Algorithms developed to predict the effect of sequence changes on RNA splicing suggest that this variant is not likely to affect RNA splicing.

Literature cited by the submitters: PubMed 17576681; PubMed 9536098.